The following is an entry in ClinVar:

ClinVar aggregate classification (germline): Uncertain significance (1 of 4 stars; one submission).

Conditions:
Immunodeficiency-centromeric instability-facial anomalies syndrome 2 (ICF2). Identifiers: Orphanet 2268, MedGen C3279748, MONDO:0013553, OMIM 614069.

Allele frequency attached by ClinVar (database versions not stated): gnomAD exomes below 0.00001.

Submission:

Labcorp Genetics (formerly Invitae), Labcorp
Classification: Uncertain significance for Immunodeficiency-centromeric instability-facial anomalies syndrome 2. Last evaluated: 2020-12-06. Review status: criteria provided, single submitter. Criteria: Invitae Variant Classification Sherloc (09022015). Collection method: clinical testing. Allele origin: germline.
Comment: This sequence change replaces threonine with isoleucine at codon 353 of the ZBTB24 protein (p.Thr353Ile). The threonine residue is highly conserved and there is a moderate physicochemical difference between threonine and isoleucine. This variant is not present in population databases (ExAC no frequency). This variant has not been reported in the literature in individuals with ZBTB24-related conditions. Algorithms developed to predict the effect of missense changes on protein structure and function are either unavailable or do not agree on the potential impact of this missense change (SIFT: "Not Available"; PolyPhen-2: "Benign"; Align-GVGD: "Not Available"). In summary, the available evidence is currently insufficient to determine the role of this variant in disease. Therefore, it has been classified as a Variant of Uncertain Significance.

NM_014797.3(ZBTB24):c.1058C>T (p.Thr353Ile)

Gene: ZBTB24 (zinc finger and BTB domain containing 24; minus strand). Cytogenetic location: 6q21.
Variant type: single nucleotide variant.
Coding change: c.1058C>T on transcript NM_014797.3 (MANE Select); coding-DNA position 1058, C replaced by T.
Protein change: p.Thr353Ile; replaces threonine 353 with isoleucine.
Molecular consequence: missense variant.
Genome position (GRCh38, 1-based): chr6:109,476,825, G>A on the plus strand (C>T on the coding strand, the complement: ZBTB24 is on the minus strand). VCF-style: chr6-109476825-G-A. GRCh37 (hg19) VCF-style: chr6-109798028-G-A.
Other names: short protein forms T353I.
Identifiers: ClinVar variation 1491830 (VCV001491830.6), dbSNP rs2115362049, ClinGen allele CA365204159.